The following is an entry in ClinVar:

NM_000071.3(CBS):c.1152G>C (p.Lys384Asn)

Gene: CBS (cystathionine beta-synthase; minus strand). Cytogenetic location: 21q22.3.
Variant type: single nucleotide variant.
Coding change: c.1152G>C on transcript NM_000071.3 (MANE Select); coding-DNA position 1152, G replaced by C.
Protein change: p.Lys384Asn; replaces lysine 384 with asparagine.
Molecular consequence: missense variant.
Genome position (GRCh38, 1-based): chr21:43,059,297, C>G on the plus strand (G>C on the coding strand, the complement: CBS is on the minus strand). VCF-style: chr21-43059297-C-G. GRCh37 (hg19) VCF-style: chr21-44479407-C-G.
Other names: c.1152G>C, p.Lys384Asn (NM_001178008.3, NM_001178009.3, NM_001320298.2); c.837G>C, p.Lys279Asn (NM_001321072.1); short protein forms K279N, K384N.
Identifiers: ClinVar variation 813502 (VCV000813502.6), dbSNP rs1304669003, ClinGen allele CA410397847.

ClinVar aggregate classification (germline): Pathogenic/Likely pathogenic. Review status: criteria provided, multiple submitters, no conflicts (2 of 4 stars). 4 submissions from 4 submitters: Pathogenic (3); Likely pathogenic (1). Last evaluated 2025-01-10.

Conditions:
Classic homocystinuria. Also called: Homocystinuria due to CBS deficiency; Cystathionine beta-synthase deficiency; CBS deficiency; Homocystinuria due to Cystathionine Beta-Synthase Deficiency; HOMOCYSTINURIA WITH OR WITHOUT RESPONSE TO PYRIDOXINE. Identifiers: Orphanet 394, MedGen C0751202, MONDO:0009352, OMIM 236200.
Homocystinuria. Identifiers: MedGen C0019880, MONDO:0004737, HP:0002156.

Submissions (4):

Myriad Genetics, Inc.
Classification: Likely pathogenic for Classic homocystinuria. Last evaluated: 2025-01-10. Review status: criteria provided, single submitter. Criteria: Myriad Autosomal Dominant, Autosomal Recessive and X-Linked Classification Criteria (2023). Collection method: clinical testing. Allele origin: unknown.
Comment: NM_000071.2(CBS):c.1152G>C(K384N) is a missense variant classified as likely pathogenic in the context of homocystinuria, CBS-related. K384N has been observed in cases with relevant disease (PMID: 24211323, 10338090, 29514022, 29326875). Relevant functional assessments of this variant are not available in the literature. K384N has not been observed in referenced population frequency databases. In summary, NM_000071.2(CBS):c.1152G>C(K384N) is a missense variant that has been observed more frequently in cases with the relevant disease than in healthy populations. Please note: this variant was assessed in the context of healthy population screening.

Women's Health and Genetics/Laboratory Corporation of America, LabCorp
Classification: Pathogenic for Homocystinuria. Last evaluated: 2024-02-22. Review status: criteria provided, single submitter. Criteria: LabCorp Variant Classification Summary - May 2015. Collection method: clinical testing. Allele origin: germline.
Comment: Variant summary: CBS c.1152G>C (p.Lys384Asn) results in a non-conservative amino acid change in the encoded protein sequence. Four of five in-silico tools predict a damaging effect of the variant on protein function. The frequency data for this variant in gnomAD is considered unreliable, as metrics indicate poor data quality at this position. c.1152G>C has been reported in the literature in multiple individuals affected with Homocystinuria (e.g. Krauss_1999, Karaca_2014). These data indicate that the variant is very likely to be associated with disease. At least one publication reports experimental evidence evaluating an impact on protein function, finding that the variant results in deficient growth rates in yeast (Mayfield_2012). The following publications have been ascertained in the context of this evaluation (PMID: 10338090, 24211323, 22267502). ClinVar contains an entry for this variant (Variation ID: 813502). Based on the evidence outlined above, the variant was classified as pathogenic.

GeneDx
Classification: Pathogenic. Last evaluated: 2019-05-31. Review status: criteria provided, single submitter. Criteria: GeneDx Variant Classification Process June 2021. Collection method: clinical testing. Allele origin: germline. Affected: yes.
Comment: Not observed in large population cohorts (Lek et al., 2016); Published functional studies demonstrate a damaging effect (Mayfield et al., 2012); In silico analysis, which includes protein predictors and evolutionary conservation, supports a deleterious effect; This variant is associated with the following publications: (PMID: 21435402, 21308989, 20455263, 24211323, 19448746, 12173932, 16245937, 21062078, 10338090, 22267502, 29326875)

Baylor Genetics
Classification: Pathogenic for Classic homocystinuria. Review status: criteria provided, single submitter. Criteria: ACMG Guidelines, 2015. Collection method: clinical testing. Allele origin: germline.

Literature cited by the submitters: PubMed 10338090 (cited by Myriad Genetics, Inc. and Women's Health and Genetics/Laboratory Corporation of America, LabCorp); PubMed 24211323 (cited by Myriad Genetics, Inc. and Women's Health and Genetics/Laboratory Corporation of America, LabCorp); PubMed 29326875 (cited by Myriad Genetics, Inc.); PubMed 29514022 (cited by Myriad Genetics, Inc.); PubMed 22267502 (cited by Women's Health and Genetics/Laboratory Corporation of America, LabCorp).